The following is an entry in ClinVar:

NM_001378454.1(ALMS1):c.4751C>G (p.Ala1584Gly)

Gene: ALMS1 (ALMS1 centrosome and basal body associated protein; plus strand). Cytogenetic location: 2p13.1.
Variant type: single nucleotide variant.
Coding change: c.4751C>G on transcript NM_001378454.1 (MANE Select); coding-DNA position 4751, C replaced by G.
Protein change: p.Ala1584Gly; replaces alanine 1584 with glycine.
Molecular consequence: missense variant.
Genome position (GRCh38, 1-based): chr2:73,451,278, C>G. VCF-style: chr2-73451278-C-G. GRCh37 (hg19) VCF-style: chr2-73678405-C-G.
Other names: c.4754C>G, p.Ala1585Gly (NM_015120.4); short protein forms A1585G, A1584G.
Identifiers: ClinVar variation 2087653 (VCV002087653.6), dbSNP rs1671932095, ClinGen allele CA347279189.

ClinVar aggregate classification (germline): Conflicting classifications of pathogenicity. Review status: criteria provided, conflicting classifications (1 of 4 stars). 3 submissions from 3 submitters: Uncertain significance (1); Likely benign (1). 1 of the submissions does not count toward it. Last evaluated 2023-11-14.

Conditions:
Cardiovascular phenotype. Identifiers: MedGen CN230736.
Alstrom syndrome (ALMS). Identifiers: Orphanet 64, MedGen C0268425, MONDO:0008763, OMIM 203800.

Allele frequency attached by ClinVar (database versions not stated): TOPMed below 0.00001.
gnomAD v4.1: 2 of 1,613,826 alleles (0.00012%); highest among the groups gnomAD compares: Non-Finnish European, 0.00017%; no homozygotes.

Submissions (3):

Ambry Genetics
Classification: Likely benign for Cardiovascular phenotype. Last evaluated: 2023-11-14. Review status: criteria provided, single submitter. Criteria: Ambry Variant Classification Scheme 2023. Collection method: clinical testing. Allele origin: germline.

Labcorp Genetics (formerly Invitae), Labcorp
Classification: Uncertain significance for Alstrom syndrome. Last evaluated: 2022-08-23. Review status: criteria provided, single submitter. Criteria: Invitae Variant Classification Sherloc (09022015). Collection method: clinical testing. Allele origin: germline.
Comment: In summary, the available evidence is currently insufficient to determine the role of this variant in disease. Therefore, it has been classified as a Variant of Uncertain Significance. Experimental studies and prediction algorithms are not available or were not evaluated, and the functional significance of this variant is currently unknown. This variant has not been reported in the literature in individuals affected with ALMS1-related conditions. This variant is not present in population databases (gnomAD no frequency). This sequence change replaces alanine, which is neutral and non-polar, with glycine, which is neutral and non-polar, at codon 1585 of the ALMS1 protein (p.Ala1585Gly).

Natera, Inc.
Classification: Uncertain significance for Alstrom syndrome. Last evaluated: 2025-03-16. Review status: no assertion criteria provided. Collection method: clinical testing. Allele origin: germline. Not counted in ClinVar's aggregate classification.